The following is an entry in ClinVar:

ClinVar aggregate classification (germline): Uncertain significance. Review status: criteria provided, multiple submitters, no conflicts (2 of 4 stars). 2 submissions from 2 submitters: Uncertain significance (2). Last evaluated 2025-01-07.

Conditions:
Retinoblastoma (RB1). Also called: RETINOBLASTOMA, SOMATIC. Identifiers: Orphanet 790, MedGen C0035335, MeSH D012175, MONDO:0008380, OMIM 180200, HP:0009919. Disease mechanism: loss of function. Inheritance: Both sporadic and heritable forms are tested..

Allele frequency attached by ClinVar (database versions not stated): gnomAD exomes below 0.00001.
gnomAD v4.1: 3 of 1,508,908 alleles (0.0002%); highest among the groups gnomAD compares: Non-Finnish European, 0.00026%; no homozygotes.

Submissions (2):

Labcorp Genetics (formerly Invitae), Labcorp
Classification: Uncertain significance for Retinoblastoma. Last evaluated: 2025-01-07. Review status: criteria provided, single submitter. Criteria: Invitae Variant Classification Sherloc (09022015). Collection method: clinical testing. Allele origin: germline.
Comment: This sequence change replaces threonine, which is neutral and polar, with proline, which is neutral and non-polar, at codon 9 of the RB1 protein (p.Thr9Pro). This variant is not present in population databases (gnomAD no frequency). This variant has not been reported in the literature in individuals affected with RB1-related conditions. ClinVar contains an entry for this variant (Variation ID: 3075638). An algorithm developed to predict the effect of missense changes on protein structure and function outputs the following: PolyPhen-2: "Not Available". The proline amino acid residue is found in multiple mammalian species, which suggests that this missense change does not adversely affect protein function. In summary, the available evidence is currently insufficient to determine the role of this variant in disease. Therefore, it has been classified as a Variant of Uncertain Significance.

All of Us Research Program, National Institutes of Health
Classification: Uncertain significance for Retinoblastoma. Last evaluated: 2023-05-16. Review status: criteria provided, single submitter. Criteria: ACMG Guidelines, 2015. Collection method: clinical testing. Allele origin: germline. Inheritance: Autosomal dominant inheritance. Observed: 1 variant allele, 1 heterozygote.
Comment: This missense variant replaces threonine with proline at codon 9 of the RB1 protein. Computational prediction suggests that this variant may not impact protein structure and function (internally defined REVEL score threshold <= 0.5, PMID: 27666373). To our knowledge, functional studies have not been reported for this variant. This variant has not been reported in individuals affected with RB1-related disorders in the literature. This variant has not been identified in the general population by the Genome Aggregation Database (gnomAD). The available evidence is insufficient to determine the role of this variant in disease conclusively. Therefore, this variant is classified as a Variant of Uncertain Significance.

This study involves interpretation of variants in research participants for the purpose of population health screening. Participant phenotype was not available at the time of variant classification. Additional details can be found in publication PMID: 35346344, PMCID: PMC8962531

NM_000321.3(RB1):c.25A>C (p.Thr9Pro)

Gene: RB1 (RB transcriptional corepressor 1; plus strand). Cytogenetic location: 13q14.2.
Variant type: single nucleotide variant.
Coding change: c.25A>C on transcript NM_000321.3 (MANE Select); coding-DNA position 25, A replaced by C.
Protein change: p.Thr9Pro; replaces threonine 9 with proline.
Molecular consequence: missense variant.
Genome position (GRCh38, 1-based): chr13:48,303,937, A>C. VCF-style: chr13-48303937-A-C. GRCh37 (hg19) VCF-style: chr13-48878073-A-C.
Other names: c.25A>C, p.Thr9Pro (NM_001407165.1, NM_001407166.1, NM_001407167.1); short protein forms T9P.
Identifiers: ClinVar variation 3075638 (VCV003075638.3), dbSNP rs2138027109, ClinGen allele CA388250178.